The following is an entry in ClinVar:

ClinVar aggregate classification (germline): Uncertain significance (1 of 4 stars; one submission).

Conditions:
Charcot-Marie-Tooth disease type 2. Also called: Charcot-Marie-Tooth type 2. Identifiers: Orphanet 64746, MedGen C0270914, MONDO:0018993.

gnomAD v4.1: 2 of 1,598,890 alleles (0.00013%); highest among the groups gnomAD compares: Non-Finnish European, 0.00017%; no homozygotes.

Submission:

Labcorp Genetics (formerly Invitae), Labcorp
Classification: Uncertain significance for Charcot-Marie-Tooth disease type 2. Last evaluated: 2024-09-01. Review status: criteria provided, single submitter. Criteria: Invitae Variant Classification Sherloc (09022015). Collection method: clinical testing. Allele origin: germline.
Comment: This sequence change replaces aspartic acid, which is acidic and polar, with histidine, which is basic and polar, at codon 40 of the LMNA protein (p.Asp40His). This variant is not present in population databases (gnomAD no frequency). This variant has not been reported in the literature in individuals affected with LMNA-related conditions. Invitae Evidence Modeling of protein sequence and biophysical properties (such as structural, functional, and spatial information, amino acid conservation, physicochemical variation, residue mobility, and thermodynamic stability) indicates that this missense variant is expected to disrupt LMNA protein function with a positive predictive value of 95%. In summary, the available evidence is currently insufficient to determine the role of this variant in disease. Therefore, it has been classified as a Variant of Uncertain Significance.

NM_170707.4(LMNA):c.118G>C (p.Asp40His)

Gene: LMNA (lamin A/C; plus strand). Cytogenetic location: 1q22.
Variant type: single nucleotide variant.
Coding change: c.118G>C on transcript NM_170707.4 (MANE Select); coding-DNA position 118, G replaced by C.
Protein change: p.Asp40His; replaces aspartic acid 40 with histidine.
Molecular consequence: missense variant. On other transcripts: 5 prime UTR variant (8), intron variant (2).
Genome position (GRCh38, 1-based): chr1:156,115,036, G>C. VCF-style: chr1-156115036-G-C. GRCh37 (hg19) VCF-style: chr1-156084827-G-C.
Other names: c.118G>C, p.Asp40His (NM_001282625.2, NM_001282626.2, NM_001406983.1 and 6 more transcripts); c.-306G>C (NM_001406986.1); c.-284G>C (NM_001406990.1, NM_001406995.1, NM_001407002.1); c.-547G>C (NM_001406994.1, NM_001407000.1); c.-727G>C (NM_001406999.1); c.-390G>C (NM_001407001.1); c.-203+8213G>C (NM_001406993.1, NM_001407003.1); short protein forms D40H.
Identifiers: ClinVar variation 3688479 (VCV003688479.2).